The following is an entry in ClinVar:

NM_005866.4(SIGMAR1):c.153G>A (p.Gly51=)

Gene: SIGMAR1 (sigma receptor chaperone 1; minus strand). Cytogenetic location: 9p13.3.
Variant type: single nucleotide variant.
Coding change: c.153G>A on transcript NM_005866.4 (MANE Select); coding-DNA position 153, G replaced by A.
Protein change: p.Gly51=; no amino-acid change (glycine 51 retained).
Molecular consequence: synonymous variant. On other transcripts: non-coding transcript variant (1), 5 prime UTR variant (1).
Genome position (GRCh38, 1-based): chr9:34,637,419, C>T on the plus strand (G>A on the coding strand, the complement: SIGMAR1 is on the minus strand). VCF-style: chr9-34637419-C-T. GRCh37 (hg19) VCF-style: chr9-34637416-C-T.
Other names: p.Gly51=; c.93G>A, p.Gly31= (NM_001282207.2); c.153G>A, p.Gly51= (NM_001282208.2, NM_001282209.2, NM_147157.3 and 1 more transcripts); c.-101G>A (NM_001282206.2).
Identifiers: ClinVar variation 465867 (VCV000465867.22), dbSNP rs12115733, ClinGen allele CA5035932.

ClinVar aggregate classification (germline): Benign. Review status: criteria provided, multiple submitters, no conflicts (2 of 4 stars). 7 submissions from 7 submitters: Benign (5). 2 of the submissions do not count toward it. Last evaluated 2026-02-01.

Conditions:
SIGMAR1-related disorder. Also called: SIGMAR1-related condition.
Amyotrophic lateral sclerosis type 16. Also called: AMYOTROPHIC LATERAL SCLEROSIS 16, JUVENILE. Identifiers: Orphanet 300605, MedGen C3280587, MONDO:0013715, OMIM 614373.
Autosomal recessive distal spinal muscular atrophy 2. Also called: NEUROPATHY, DISTAL HEREDITARY MOTOR, AUTOSOMAL RECESSIVE 2; NEURONOPATHY, DISTAL HEREDITARY MOTOR, JERASH TYPE; NEUROPATHY, DISTAL HEREDITARY MOTOR, JERASH TYPE; SPINAL MUSCULAR ATROPHY, JERASH TYPE; Hereditary motor neuropathy, Jerash type; Motor neuropathy, distal, Jerash type. Identifiers: Orphanet 139552, MedGen C1854023, MONDO:0011585, OMIM 605726.

Allele frequency attached by ClinVar (database versions not stated): gnomAD 0.01848 and 0.01994; 1000 Genomes Project 30x 0.02842; gnomAD exomes 0.00482; ExAC 0.00650; TOPMed 0.02129; ESP Exome Variant Server 0.02056; 1000 Genomes Project 0.02516.

Submissions (7):

Labcorp Genetics (formerly Invitae), Labcorp
Classification: Benign for Autosomal recessive distal spinal muscular atrophy 2; Amyotrophic lateral sclerosis type 16. Last evaluated: 2026-02-01. Review status: criteria provided, single submitter. Criteria: Invitae Variant Classification Sherloc (09022015). Collection method: clinical testing. Allele origin: germline.

PreventionGenetics, part of Exact Sciences
Classification: Benign for SIGMAR1-related condition. Last evaluated: 2025-02-19. Review status: criteria provided, single submitter. Criteria: ACMG Guidelines, 2015. Collection method: clinical testing. Allele origin: germline.
Comment: This variant is classified as benign based on ACMG/AMP sequence variant interpretation guidelines (Richards et al. 2015 PMID: 25741868, with internal and published modifications).

GeneDx
Classification: Benign. Last evaluated: 2019-08-15. Review status: criteria provided, single submitter. Criteria: GeneDx Variant Classification Process June 2021. Collection method: clinical testing. Allele origin: germline. Affected: yes.

Mayo Clinic Laboratories, Mayo Clinic
Classification: Benign. Last evaluated: 2019-03-14. Review status: criteria provided, single submitter. Criteria: ACMG Guidelines, 2015. Collection method: clinical testing. Allele origin: germline. Observed: 10 variant alleles.

Breakthrough Genomics
Classification: Benign. Review status: criteria provided, single submitter. Criteria: ACMG Guidelines, 2015. Collection method: not provided. Allele origin: germline. Inheritance: Autosomal recessive inheritance. Affected: yes.

Clinical Genetics, Academic Medical Center
Classification: Benign. Review status: no assertion criteria provided. Collection method: clinical testing. Allele origin: germline. Affected: yes. Study: VKGL Data-share Consensus. Not counted in ClinVar's aggregate classification.

Genome Diagnostics Laboratory, Amsterdam University Medical Center
Classification: Likely benign. Review status: no assertion criteria provided. Collection method: clinical testing. Allele origin: germline. Affected: yes. Study: VKGL Data-share Consensus. Not counted in ClinVar's aggregate classification.